The following is an entry in ClinVar:

NM_005902.4(SMAD3):c.1180T>G (p.Cys394Gly)

Gene: SMAD3 (SMAD family member 3; plus strand). Cytogenetic location: 15q22.33.
Variant type: single nucleotide variant.
Coding change: c.1180T>G on transcript NM_005902.4 (MANE Select); coding-DNA position 1180, T replaced by G.
Protein change: p.Cys394Gly; replaces cysteine 394 with glycine.
Molecular consequence: missense variant.
Genome position (GRCh38, 1-based): chr15:67,190,438, T>G. VCF-style: chr15-67190438-T-G. GRCh37 (hg19) VCF-style: chr15-67482776-T-G.
Other names: c.865T>G, p.Cys289Gly (NM_001145102.2); c.1048T>G, p.Cys350Gly (NM_001145103.2); c.595T>G, p.Cys199Gly (NM_001145104.2); short protein forms C199G, C289G, C350G, C394G.
Identifiers: ClinVar variation 1055868 (VCV001055868.7), dbSNP rs2140327744, ClinGen allele CA392958696.

ClinVar aggregate classification (germline): Uncertain significance (1 of 4 stars; one submission).

Conditions:
Familial thoracic aortic aneurysm and aortic dissection (TAAD). Also called: Thoracic aortic aneurysms and dissections. Identifiers: Orphanet 91387, MedGen C4707243, MONDO:0019625.

Submission:

Labcorp Genetics (formerly Invitae), Labcorp
Classification: Uncertain significance for Familial thoracic aortic aneurysm and aortic dissection. Last evaluated: 2026-02-02. Review status: criteria provided, single submitter. Criteria: Invitae Variant Classification Sherloc (09022015). Collection method: clinical testing. Allele origin: germline.
Comment: This sequence change replaces cysteine, which is neutral and slightly polar, with glycine, which is neutral and non-polar, at codon 394 of the SMAD3 protein (p.Cys394Gly). This variant is not present in population databases (gnomAD no frequency). This missense change has been observed in individual(s) with clinical features of Loeys-Dietz syndrome (internal data). ClinVar contains an entry for this variant (Variation ID: 1055868). Invitae Evidence Modeling of protein sequence and biophysical properties (such as structural, functional, and spatial information, amino acid conservation, physicochemical variation, residue mobility, and thermodynamic stability) indicates that this missense variant is expected to disrupt SMAD3 protein function with a positive predictive value of 80%. In summary, the available evidence is currently insufficient to determine the role of this variant in disease. Therefore, it has been classified as a Variant of Uncertain Significance.